The following is an entry in ClinVar:

ClinVar aggregate classification (germline): Uncertain significance (1 of 4 stars; one submission).

Conditions:
X-linked progressive cerebellar ataxia. Also called: Spinocerebellar ataxia, X-linked 1; OLIVOPONTOCEREBELLAR ATROPHY, X-LINKED; OPCA, X-LINKED. Identifiers: Orphanet 1175, MedGen C0796205, MONDO:0010547, OMIM 302500.

Allele frequency attached by ClinVar (database versions not stated): gnomAD exomes below 0.00001; TOPMed below 0.00001.

Submission:

Baylor Genetics
Classification: Uncertain significance for X-linked progressive cerebellar ataxia. Last evaluated: 2019-02-12. Review status: criteria provided, single submitter. Criteria: ACMG Guidelines, 2015. Collection method: clinical testing. Allele origin: maternal. Affected: yes.
Comment: This variant was determined to be of uncertain significance according to ACMG Guidelines, 2015 [PMID:25741868].

NM_001001344.3(ATP2B3):c.3316C>T (p.Arg1106Trp)

Gene: ATP2B3 (ATPase plasma membrane Ca2+ transporting 3; plus strand). Cytogenetic location: Xq28.
Variant type: single nucleotide variant.
Coding change: c.3316C>T on transcript NM_001001344.3 (MANE Select); coding-DNA position 3316, C replaced by T.
Protein change: p.Arg1106Trp; replaces arginine 1106 with tryptophan.
Molecular consequence: missense variant.
Genome position (GRCh38, 1-based): chrX:153,565,077, C>T. VCF-style: chrX-153565077-C-T. GRCh37 (hg19) VCF-style: chrX-152830535-C-T.
Other names: c.3316C>T, p.Arg1106Trp (NM_001388360.1, NM_001388361.1, NM_001388362.1 and 1 more transcripts); short protein forms R1106W.
Identifiers: ClinVar variation 1028405 (VCV001028405.1), dbSNP rs1227019809, ClinGen allele CA415078416.